The following is an entry in ClinVar:

NM_016816.4(OAS1):c.876G>A (p.Thr292=)

Gene: OAS1 (2'-5'-oligoadenylate synthetase 1; plus strand). Cytogenetic location: 12q24.13.
Variant type: single nucleotide variant.
Coding change: c.876G>A on transcript NM_016816.4 (MANE Select); coding-DNA position 876, G replaced by A.
Protein change: p.Thr292=; no amino-acid change (threonine 292 retained).
Molecular consequence: synonymous variant.
Genome position (GRCh38, 1-based): chr12:112,916,730, G>A. VCF-style: chr12-112916730-G-A. GRCh37 (hg19) VCF-style: chr12-113354535-G-A.
Other names: c.876G>A, p.Thr292= (NM_001032409.3, NM_001320151.2, NM_002534.4).
Identifiers: ClinVar variation 1593361 (VCV001593361.32), dbSNP rs144257676, ClinGen allele CA6799902.

ClinVar aggregate classification (germline): Benign/Likely benign. Review status: criteria provided, multiple submitters, no conflicts (2 of 4 stars). 2 submissions from 2 submitters: Benign (1); Likely benign (1). Last evaluated 2026-01-06.

Allele frequency attached by ClinVar (database versions not stated): gnomAD exomes 0.00004 and 0.00014; ExAC 0.00014; ESP Exome Variant Server 0.00023; gnomAD 0.00029 and 0.00032; TOPMed 0.00039; 1000 Genomes Project 30x 0.00047; 1000 Genomes Project 0.00060.
gnomAD v4.1: 115 of 1,613,110 alleles (0.0071%); highest among the groups gnomAD compares: African/African-American, 0.069%; no homozygotes.

Submissions (2):

Labcorp Genetics (formerly Invitae), Labcorp
Classification: Benign. Last evaluated: 2026-01-06. Review status: criteria provided, single submitter. Criteria: Invitae Variant Classification Sherloc (09022015). Collection method: clinical testing. Allele origin: germline.

CeGaT Center for Human Genetics Tuebingen
Classification: Likely benign. Last evaluated: 2022-06-01. Review status: criteria provided, single submitter. Criteria: CeGaT Center For Human Genetics Tuebingen Variant Classification Criteria Version 2. Collection method: clinical testing. Allele origin: germline. Affected: yes. Observed: 1 variant allele.
Comment: OAS1: BP4, BP7